The following is an entry in ClinVar:

NM_152701.5(ABCA13):c.7713A>C (p.Lys2571Asn)

Gene: ABCA13 (ATP binding cassette subfamily A member 13; plus strand). Cytogenetic location: 7p12.3.
Variant type: single nucleotide variant.
Coding change: c.7713A>C on transcript NM_152701.5 (MANE Select); coding-DNA position 7713, A replaced by C.
Protein change: p.Lys2571Asn; replaces lysine 2571 with asparagine.
Molecular consequence: missense variant.
Genome position (GRCh38, 1-based): chr7:48,278,907, A>C. VCF-style: chr7-48278907-A-C. GRCh37 (hg19) VCF-style: chr7-48318504-A-C.
Other names: short protein forms K2571N.
Identifiers: ClinVar variation 4986145 (VCV004986145.1).

ClinVar aggregate classification (germline): Uncertain significance (1 of 4 stars; one submission).

Conditions:
ABCA13-related disorder. Also called: ABCA13-related condition.

Submission:

PreventionGenetics, part of Exact Sciences
Classification: Uncertain significance for ABCA13-related condition. Last evaluated: 2026-06-25. Review status: criteria provided, single submitter. Criteria: ACMG Guidelines, 2015. Collection method: clinical testing. Allele origin: germline.
Comment: The ABCA13 c.7713A>C variant is predicted to result in the amino acid substitution p.Lys2571Asn. To our knowledge, this variant has not been reported in the literature or in a large population database (gnomAD), indicating this variant is rare. At this time, the clinical significance of this variant is uncertain due to the absence of conclusive functional and genetic evidence.